The following is an entry in ClinVar:

ClinVar aggregate classification (germline): Uncertain significance. Review status: criteria provided, multiple submitters, no conflicts (2 of 4 stars). 2 submissions from 2 submitters: Uncertain significance (2). Last evaluated 2025-05-06.

Conditions:
Inborn genetic diseases. Identifiers: MedGen C0950123, MeSH D030342.

Allele frequency attached by ClinVar (database versions not stated): ExAC 0.00001.

Submissions (2):

Ambry Genetics
Classification: Uncertain significance for Inborn genetic diseases. Last evaluated: 2025-05-06. Review status: criteria provided, single submitter. Criteria: Ambry Variant Classification Scheme 2023. Collection method: clinical testing. Allele origin: germline.

Labcorp Genetics (formerly Invitae), Labcorp
Classification: Uncertain significance. Last evaluated: 2024-04-22. Review status: criteria provided, single submitter. Criteria: Invitae Variant Classification Sherloc (09022015). Collection method: clinical testing. Allele origin: germline.
Comment: This sequence change replaces methionine, which is neutral and non-polar, with arginine, which is basic and polar, at codon 596 of the FRMD7 protein (p.Met596Arg). This variant is present in population databases (rs748139262, gnomAD 0.008%), including at least one homozygous and/or hemizygous individual. This variant has not been reported in the literature in individuals affected with FRMD7-related conditions. ClinVar contains an entry for this variant (Variation ID: 2146885). An algorithm developed to predict the effect of missense changes on protein structure and function (PolyPhen-2) suggests that this variant is likely to be disruptive. In summary, the available evidence is currently insufficient to determine the role of this variant in disease. Therefore, it has been classified as a Variant of Uncertain Significance.

NM_194277.3(FRMD7):c.1787T>G (p.Met596Arg)

Gene: FRMD7 (FERM domain containing 7; minus strand). Cytogenetic location: Xq26.2.
Variant type: single nucleotide variant.
Coding change: c.1787T>G on transcript NM_194277.3 (MANE Select); coding-DNA position 1787, T replaced by G.
Protein change: p.Met596Arg; replaces methionine 596 with arginine.
Molecular consequence: missense variant.
Genome position (GRCh38, 1-based): chrX:132,078,230, A>C on the plus strand (T>G on the coding strand, the complement: FRMD7 is on the minus strand). VCF-style: chrX-132078230-A-C. GRCh37 (hg19) VCF-style: chrX-131212258-A-C.
Other names: c.1742T>G, p.Met581Arg (NM_001306193.2); short protein forms M581R, M596R.
Identifiers: ClinVar variation 2146885 (VCV002146885.5), dbSNP rs748139262, ClinGen allele CA10518816.